The following is an entry in ClinVar:

NM_052876.4(NACC1):c.1502C>G (p.Pro501Arg)

Gene: NACC1 (nucleus accumbens associated 1; plus strand). Cytogenetic location: 19p13.13.
Variant type: single nucleotide variant.
Coding change: c.1502C>G on transcript NM_052876.4 (MANE Select); coding-DNA position 1502, C replaced by G.
Protein change: p.Pro501Arg; replaces proline 501 with arginine.
Molecular consequence: missense variant.
Genome position (GRCh38, 1-based): chr19:13,138,324, C>G. VCF-style: chr19-13138324-C-G. GRCh37 (hg19) VCF-style: chr19-13249138-C-G.
Other names: c.1502C>G (NM_052876.3); short protein forms P501R.
Identifiers: ClinVar variation 2787080 (VCV002787080.4), dbSNP rs777255536, ClinGen allele CA404330258.

ClinVar aggregate classification (germline): Uncertain significance. Review status: criteria provided, multiple submitters, no conflicts (2 of 4 stars). 2 submissions from 2 submitters: Uncertain significance (2). Last evaluated 2026-04-21.

Submissions (2):

GeneDx
Classification: Uncertain significance. Last evaluated: 2026-04-21. Review status: criteria provided, single submitter. Criteria: GeneDx Variant Classification Process June 2021. Collection method: clinical testing. Allele origin: germline.
Comment: Not observed at significant frequency in large population cohorts (gnomAD); In silico analysis suggests that this missense variant does not alter protein structure/function; Has not been previously published as pathogenic or benign to our knowledge

Labcorp Genetics (formerly Invitae), Labcorp
Classification: Uncertain significance. Last evaluated: 2023-02-14. Review status: criteria provided, single submitter. Criteria: Invitae Variant Classification Sherloc (09022015). Collection method: clinical testing. Allele origin: germline.
Comment: This variant has not been reported in the literature in individuals affected with NACC1-related conditions. This variant is not present in population databases (gnomAD no frequency). This sequence change replaces proline, which is neutral and non-polar, with arginine, which is basic and polar, at codon 501 of the NACC1 protein (p.Pro501Arg). Advanced modeling of protein sequence and biophysical properties (such as structural, functional, and spatial information, amino acid conservation, physicochemical variation, residue mobility, and thermodynamic stability) performed at Invitae indicates that this missense variant is not expected to disrupt NACC1 protein function. In summary, the available evidence is currently insufficient to determine the role of this variant in disease. Therefore, it has been classified as a Variant of Uncertain Significance.